The following is an entry in ClinVar:

ClinVar aggregate classification (germline): Uncertain significance. Review status: criteria provided, multiple submitters, no conflicts (2 of 4 stars). 2 submissions from 2 submitters: Uncertain significance (2). Last evaluated 2023-11-08.

Conditions:
Catecholaminergic polymorphic ventricular tachycardia 1. Also called: VENTRICULAR TACHYCARDIA, CATECHOLAMINERGIC POLYMORPHIC, 1, WITH OR WITHOUT ATRIAL DYSFUNCTION AND/OR DILATED CARDIOMYOPATHY; VENTRICULAR TACHYCARDIA, STRESS-INDUCED POLYMORPHIC 1; RYR2-Related Catecholaminergic Polymorphic Ventricular Tachycardia. Identifiers: Orphanet 3286, MedGen C1631597, MONDO:0011484, OMIM 604772.
Cardiovascular phenotype. Identifiers: MedGen CN230736.

Submissions (2):

Labcorp Genetics (formerly Invitae), Labcorp
Classification: Uncertain significance for Catecholaminergic polymorphic ventricular tachycardia 1. Last evaluated: 2023-11-08. Review status: criteria provided, single submitter. Criteria: Invitae Variant Classification Sherloc (09022015). Collection method: clinical testing. Allele origin: germline.
Comment: This sequence change replaces lysine, which is basic and polar, with methionine, which is neutral and non-polar, at codon 1887 of the RYR2 protein (p.Lys1887Met). This variant is not present in population databases (gnomAD no frequency). This variant has not been reported in the literature in individuals affected with RYR2-related conditions. ClinVar contains an entry for this variant (Variation ID: 1748918). Advanced modeling of protein sequence and biophysical properties (such as structural, functional, and spatial information, amino acid conservation, physicochemical variation, residue mobility, and thermodynamic stability) performed at Invitae indicates that this missense variant is not expected to disrupt RYR2 protein function with a negative predictive value of 95%. In summary, the available evidence is currently insufficient to determine the role of this variant in disease. Therefore, it has been classified as a Variant of Uncertain Significance.

Ambry Genetics
Classification: Uncertain significance for Cardiovascular phenotype. Last evaluated: 2018-06-20. Review status: criteria provided, single submitter. Criteria: Ambry Variant Classification Scheme 2023. Collection method: clinical testing. Allele origin: germline.
Comment: The p.K1887M variant (also known as c.5660A>T), located in coding exon 37 of the RYR2 gene, results from an A to T substitution at nucleotide position 5660. The lysine at codon 1887 is replaced by methionine, an amino acid with similar properties. This amino acid position is not well conserved in available vertebrate species. In addition, this alteration is predicted to be tolerated by in silico analysis. Since supporting evidence is limited at this time, the clinical significance of this alteration remains unclear.

NM_001035.3(RYR2):c.5660A>T (p.Lys1887Met)

Gene: RYR2 (ryanodine receptor 2; plus strand). Cytogenetic location: 1q43.
Variant type: single nucleotide variant.
Coding change: c.5660A>T on transcript NM_001035.3 (MANE Select); coding-DNA position 5660, A replaced by T.
Protein change: p.Lys1887Met; replaces lysine 1887 with methionine.
Molecular consequence: missense variant.
Genome position (GRCh38, 1-based): chr1:237,614,788, A>T. VCF-style: chr1-237614788-A-T. GRCh37 (hg19) VCF-style: chr1-237778088-A-T.
Other names: short protein forms K1887M.
Identifiers: ClinVar variation 1748918 (VCV001748918.5), dbSNP rs1415979370, ClinGen allele CA345405694.